The following is an entry in ClinVar:

NM_002878.4(RAD51D):c.265_267dup (p.Leu89_Asp90insLeu)

Genes: RAD51L3-RFFL (RAD51L3-RFFL readthrough; minus strand), RAD51D (RAD51 paralog D; minus strand). Cytogenetic location: 17q12.
Variant type: Duplication.
Coding change: c.265_267dup on transcript NM_002878.4 (MANE Select); coding-DNA positions 265 to 267, 3 bases duplicated (CTT; older notation c.265_267dupCTT).
Protein change: p.Leu89_Asp90insLeu.
Molecular consequence: non-coding transcript variant (on NR_037711.2). On other transcripts: intron variant (1).
Genome position (GRCh38, 1-based): chr17:35,107,444-35,107,446, AAG duplicated on the plus strand (CTT on the coding strand, the reverse complement: RAD51D is on the minus strand); duplicating any 3 consecutive bases within chr17:35,107,444-35,107,447 gives the same sequence; the c. name uses the placement nearest the transcript's 3' end. VCF-style (leftmost placement, unchanged base first): chr17-35107443-C-CAAG. GRCh37 (hg19) VCF-style: chr17-33434462-C-CAAG.
Other names: c.325_327dup, p.Leu109_Asp110insLeu (NM_001142571.2); c.145-965_145-963dup (NM_133629.3).
Identifiers: ClinVar variation 3643663 (VCV003643663.2).
Genomic context (GRCh38, chr17:35,107,443, plus strand): 5'-CTGGGCCTCCTACAATTTCAGTCACTTCTCCAGTATAGAGACCAGCATCAAGCAGTTTAT[C>CAAG]AAGACTGATGGCAGAAGAGAAGAAAATCAACACAAGAGGTTAGGAGGAAGACAGGGGAAA-3'

ClinVar aggregate classification (germline): Uncertain significance (1 of 4 stars; one submission).

Conditions:
Breast-ovarian cancer, familial, susceptibility to, 4. Identifiers: Orphanet 145, MedGen C3280345, MONDO:0013669, OMIM 614291.

Submission:

Labcorp Genetics (formerly Invitae), Labcorp
Classification: Uncertain significance for Breast-ovarian cancer, familial, susceptibility to, 4. Last evaluated: 2024-02-29. Review status: criteria provided, single submitter. Criteria: Invitae Variant Classification Sherloc (09022015). Collection method: clinical testing. Allele origin: germline.
Comment: This variant, c.265_267dup, results in the insertion of 1 amino acid(s) of the RAD51D protein (p.Leu89dup), but otherwise preserves the integrity of the reading frame. This variant is not present in population databases (gnomAD no frequency). This variant has not been reported in the literature in individuals affected with RAD51D-related conditions. In summary, the available evidence is currently insufficient to determine the role of this variant in disease. Therefore, it has been classified as a Variant of Uncertain Significance.